The following is an entry in ClinVar:

ClinVar aggregate classification (germline): Uncertain significance. Review status: criteria provided, multiple submitters, no conflicts (2 of 4 stars). 2 submissions from 2 submitters: Uncertain significance (2). Last evaluated 2025-12-30.

Conditions:
Hereditary cancer-predisposing syndrome. Also called: Neoplastic Syndromes, Hereditary; Hereditary neoplastic syndrome; Tumor predisposition; Hereditary Cancer Syndrome. Identifiers: Orphanet 140162, MedGen C0027672, MeSH D009386, MONDO:0015356.
Gorlin syndrome. Also called: Basal cell nevus syndrome; Nevoid Basal Cell Carcinoma Syndrome. Identifiers: Orphanet 377, MedGen C0004779, MONDO:0007187.
Medulloblastoma (MDB). Also called: Medulloblastoma, somatic; MEDULLOBLASTOMA PREDISPOSITION SYNDROME. Identifiers: Orphanet 616, MedGen C0025149, MeSH D008527, MONDO:0007959, OMIM 155255, HP:0002885.

Submissions (2):

Ambry Genetics
Classification: Uncertain significance for Hereditary cancer-predisposing syndrome. Last evaluated: 2025-12-30. Review status: criteria provided, single submitter. Criteria: Ambry Variant Classification Scheme 2023. Collection method: clinical testing. Allele origin: germline.
Comment: The p.H209P variant (also known as c.626A>C), located in coding exon 5 of the SUFU gene, results from an A to C substitution at nucleotide position 626. The histidine at codon 209 is replaced by proline, an amino acid with similar properties. This amino acid position is conserved. In addition, the in silico prediction for this alteration is inconclusive. Based on the available evidence, the clinical significance of this variant remains unclear.

Labcorp Genetics (formerly Invitae), Labcorp
Classification: Uncertain significance for Gorlin syndrome; Medulloblastoma. Last evaluated: 2024-01-24. Review status: criteria provided, single submitter. Criteria: Invitae Variant Classification Sherloc (09022015). Collection method: clinical testing. Allele origin: germline.
Comment: This sequence change replaces histidine, which is basic and polar, with proline, which is neutral and non-polar, at codon 209 of the SUFU protein (p.His209Pro). This variant is not present in population databases (gnomAD no frequency). This variant has not been reported in the literature in individuals affected with SUFU-related conditions. ClinVar contains an entry for this variant (Variation ID: 643257). Advanced modeling of protein sequence and biophysical properties (such as structural, functional, and spatial information, amino acid conservation, physicochemical variation, residue mobility, and thermodynamic stability) performed at Invitae indicates that this missense variant is not expected to disrupt SUFU protein function with a negative predictive value of 80%. In summary, the available evidence is currently insufficient to determine the role of this variant in disease. Therefore, it has been classified as a Variant of Uncertain Significance.

NM_016169.4(SUFU):c.626A>C (p.His209Pro)

Gene: SUFU (SUFU negative regulator of hedgehog signaling; plus strand). Cytogenetic location: 10q24.32.
Variant type: single nucleotide variant.
Coding change: c.626A>C on transcript NM_016169.4 (MANE Select); coding-DNA position 626, A replaced by C.
Protein change: p.His209Pro; replaces histidine 209 with proline.
Molecular consequence: missense variant.
Genome position (GRCh38, 1-based): chr10:102,593,664, A>C. VCF-style: chr10-102593664-A-C. GRCh37 (hg19) VCF-style: chr10-104353421-A-C.
Other names: c.626A>C, p.His209Pro (NM_001178133.2); short protein forms H209P.
Identifiers: ClinVar variation 643257 (VCV000643257.12), dbSNP rs1590062872, ClinGen allele CA377909455.